The following is an entry in ClinVar:

NM_001920.5(DCN):c.33A>G (p.Ala11=)

Gene: DCN (decorin; minus strand). Cytogenetic location: 12q21.33.
Variant type: single nucleotide variant.
Coding change: c.33A>G on transcript NM_001920.5 (MANE Select); coding-DNA position 33, A replaced by G.
Protein change: p.Ala11=; no amino-acid change (alanine 11 retained).
Molecular consequence: synonymous variant.
Genome position (GRCh38, 1-based): chr12:91,178,520, T>C on the plus strand (A>G on the coding strand, the complement: DCN is on the minus strand). VCF-style: chr12-91178520-T-C. GRCh37 (hg19) VCF-style: chr12-91572297-T-C.
Other names: c.33A>G, p.Ala11= (NM_133503.4, NM_133504.3, NM_133505.3 and 2 more transcripts).
Identifiers: ClinVar variation 310663 (VCV000310663.13), dbSNP rs141738168, ClinGen allele CA6717179.

ClinVar aggregate classification (germline): Benign. Review status: criteria provided, multiple submitters, no conflicts (2 of 4 stars). 2 submissions from 2 submitters: Benign (2). Last evaluated 2026-01-15.

Conditions:
Congenital stromal corneal dystrophy (CSCD). Identifiers: Orphanet 101068, MedGen C1864738, MONDO:0012401, OMIM 610048.

Allele frequency attached by ClinVar (database versions not stated): 1000 Genomes Project 0.00160; 1000 Genomes Project 30x 0.00187; gnomAD 0.00471 and 0.00477; ExAC 0.00472; gnomAD exomes 0.00485 and 0.00580; TOPMed 0.00516; ESP Exome Variant Server 0.00584.
gnomAD v4.1: 9,193 of 1,613,688 alleles (0.57%); highest among the groups gnomAD compares: Middle Eastern, 0.78%; 38 homozygotes.

Submissions (2):

Labcorp Genetics (formerly Invitae), Labcorp
Classification: Benign. Last evaluated: 2026-01-15. Review status: criteria provided, single submitter. Criteria: Invitae Variant Classification Sherloc (09022015). Collection method: clinical testing. Allele origin: germline.

Illumina Laboratory Services, Illumina
Classification: Benign for Congenital stromal corneal dystrophy. Last evaluated: 2018-01-13. Review status: criteria provided, single submitter. Criteria: ICSL Variant Classification Criteria 13 December 2019. Collection method: clinical testing. Allele origin: germline.
Comment: This variant was observed in the ICSL laboratory as part of a predisposition screen in an ostensibly healthy population. It had not been previously curated by ICSL or reported in the Human Gene Mutation Database (HGMD: prior to June 1st, 2018), and was therefore a candidate for classification through an automated scoring system. Utilizing variant allele frequency, disease prevalence and penetrance estimates, and inheritance mode, an automated score was calculated to assess if this variant is too frequent to cause the disease. Based on the score and internal cut-off values, a variant classified as benign is not then subjected to further curation. The score for this variant resulted in a classification of benign for this disease.